The following is an entry in ClinVar:

ClinVar aggregate classification (germline): Likely benign (0 of 4 stars; one submission).

Conditions:
PARD3-related disorder. Also called: PARD3-related condition.

Submission:

PreventionGenetics, part of Exact Sciences
Classification: Likely benign for PARD3-related condition. Last evaluated: 2019-08-16. Review status: no assertion criteria provided. Collection method: clinical testing. Allele origin: germline.
Comment: This variant is classified as likely benign based on ACMG/AMP sequence variant interpretation guidelines (Richards et al. 2015 PMID: 25741868, with internal and published modifications).

NM_001184785.2(PARD3):c.1251T>C (p.Ser417=)

Gene: PARD3 (par-3 family cell polarity regulator; minus strand). Cytogenetic location: 10p11.21.
Variant type: single nucleotide variant.
Coding change: c.1251T>C on transcript NM_001184785.2 (MANE Select); coding-DNA position 1251, T replaced by C.
Protein change: p.Ser417=; no amino-acid change (serine 417 retained).
Molecular consequence: synonymous variant.
Genome position (GRCh38, 1-based): chr10:34,382,688, A>G on the plus strand (T>C on the coding strand, the complement: PARD3 is on the minus strand). VCF-style: chr10-34382688-A-G. GRCh37 (hg19) VCF-style: chr10-34671616-A-G.
Other names: c.1251T>C, p.Ser417= (NM_001184786.2, NM_001184787.2, NM_001184788.2 and 5 more transcripts); c.1119T>C, p.Ser373= (NM_001184790.2, NM_001184791.2).
Identifiers: ClinVar variation 3053131 (VCV003053131.2), dbSNP rs2495869503, ClinGen allele CA468981733.